The following is an entry in ClinVar:

NM_006901.4(MYO9A):c.5300G>A (p.Gly1767Glu)

Genes: MYO9A (myosin IXA; minus strand), LOC130057457 (ATAC-STARR-seq lymphoblastoid active region 9708; plus strand). Cytogenetic location: 15q23.
Variant type: single nucleotide variant.
Coding change: c.5300G>A on transcript NM_006901.4 (MANE Select); coding-DNA position 5300, G replaced by A.
Protein change: p.Gly1767Glu; replaces glycine 1767 with glutamic acid.
Molecular consequence: missense variant.
Genome position (GRCh38, 1-based): chr15:71,883,692, C>T on the plus strand (G>A on the coding strand, the complement: MYO9A is on the minus strand). VCF-style: chr15-71883692-C-T. GRCh37 (hg19) VCF-style: chr15-72176033-C-T.
Other names: short protein forms G1767E.
Identifiers: ClinVar variation 711630 (VCV000711630.5), dbSNP rs138043851, ClinGen allele CA7641185.

ClinVar aggregate classification (germline): Likely benign. Review status: criteria provided, multiple submitters, no conflicts (2 of 4 stars). 3 submissions from 3 submitters: Likely benign (3). Last evaluated 2026-09-01.

Conditions:
MYO9A-related disorder. Also called: MYO9A-related condition.

Allele frequency attached by ClinVar (database versions not stated): 1000 Genomes Project 0.00120; gnomAD exomes 0.00006 and 0.00017; ExAC 0.00018; gnomAD 0.00071 and 0.00072; TOPMed 0.00077; ESP Exome Variant Server 0.00092; 1000 Genomes Project 30x 0.00109.
gnomAD v4.1: 199 of 1,613,386 alleles (0.012%); highest among the groups gnomAD compares: African/African-American, 0.22%; 1 homozygote.

Submissions (3):

PreventionGenetics, part of Exact Sciences
Classification: Likely benign for MYO9A-related condition. Last evaluated: 2026-09-01. Review status: criteria provided, single submitter. Criteria: ACMG Guidelines, 2015. Collection method: clinical testing. Allele origin: germline.
Comment: This variant is classified as likely benign based on ACMG/AMP sequence variant interpretation guidelines (Richards et al. 2015 PMID: 25741868, with internal and published modifications).

Labcorp Genetics (formerly Invitae), Labcorp
Classification: Likely benign. Last evaluated: 2018-09-12. Review status: criteria provided, single submitter. Criteria: Invitae Variant Classification Sherloc (09022015). Collection method: clinical testing. Allele origin: germline.

Breakthrough Genomics
Classification: Likely benign. Review status: criteria provided, single submitter. Criteria: ACMG Guidelines, 2015. Collection method: not provided. Allele origin: germline. Inheritance: Autosomal recessive inheritance. Affected: yes.